The following is an entry in ClinVar:

NM_004523.4(KIF11):c.399T>A (p.Ala133=)

Gene: KIF11 (kinesin family member 11; plus strand). Cytogenetic location: 10q23.33.
Variant type: single nucleotide variant.
Coding change: c.399T>A on transcript NM_004523.4 (MANE Select); coding-DNA position 399, T replaced by A.
Protein change: p.Ala133=; no amino-acid change (alanine 133 retained).
Molecular consequence: synonymous variant.
Genome position (GRCh38, 1-based): chr10:92,609,031, T>A. VCF-style: chr10-92609031-T-A. GRCh37 (hg19) VCF-style: chr10-94368788-T-A.
Identifiers: ClinVar variation 1403634 (VCV001403634.8), dbSNP rs750165931, ClinGen allele CA470782940.

ClinVar aggregate classification (germline): Uncertain significance (1 of 4 stars; one submission).

Submission:

Labcorp Genetics (formerly Invitae), Labcorp
Classification: Uncertain significance. Last evaluated: 2021-01-14. Review status: criteria provided, single submitter. Criteria: Invitae Variant Classification Sherloc (09022015). Collection method: clinical testing. Allele origin: germline.
Comment: This sequence change affects codon 133 of the KIF11 mRNA. It is a 'silent' change, meaning that it does not change the encoded amino acid sequence of the KIF11 protein. This variant is not present in population databases (ExAC no frequency). This variant has not been reported in the literature in individuals with KIF11-related conditions. Algorithms developed to predict the effect of sequence changes on RNA splicing suggest that this variant may create or strengthen a splice site, but this prediction has not been confirmed by published transcriptional studies. In summary, the available evidence is currently insufficient to determine the role of this variant in disease. Therefore, it has been classified as a Variant of Uncertain Significance.